The following is an entry in ClinVar:

NM_001080467.3(MYO5B):c.2773A>T (p.Asn925Tyr)

Gene: MYO5B (myosin VB; minus strand). Cytogenetic location: 18q21.1.
Variant type: single nucleotide variant.
Coding change: c.2773A>T on transcript NM_001080467.3 (MANE Select); coding-DNA position 2773, A replaced by T.
Protein change: p.Asn925Tyr; replaces asparagine 925 with tyrosine.
Molecular consequence: missense variant.
Genome position (GRCh38, 1-based): chr18:49,902,632, T>A on the plus strand (A>T on the coding strand, the complement: MYO5B is on the minus strand). VCF-style: chr18-49902632-T-A. GRCh37 (hg19) VCF-style: chr18-47429002-T-A.
Other names: short protein forms N925Y.
Identifiers: ClinVar variation 4998883 (VCV004998883.1).

ClinVar aggregate classification (germline): Uncertain significance (1 of 4 stars; one submission).

Conditions:
MYO5B-related disorder. Also called: MYO5B-related condition.

gnomAD v4.1: 2 of 1,613,264 alleles (0.00012%); highest among the groups gnomAD compares: Non-Finnish European, 0.00017%; no homozygotes.

Submission:

PreventionGenetics, part of Exact Sciences
Classification: Uncertain significance for MYO5B-related condition. Last evaluated: 2024-11-09. Review status: criteria provided, single submitter. Criteria: ACMG Guidelines, 2015. Collection method: clinical testing. Allele origin: germline.
Comment: The MYO5B c.2773A>T variant is predicted to result in the amino acid substitution p.Asn925Tyr. To our knowledge, this variant has not been reported in the literature. This variant is reported in 0.0065% of alleles in individuals of European (Non-Finnish) descent in gnomAD. At this time, the clinical significance of this variant is uncertain due to the absence of conclusive functional and genetic evidence.